The following is an entry in ClinVar:

ClinVar aggregate classification (germline): Benign/Likely benign. Review status: criteria provided, multiple submitters, no conflicts (2 of 4 stars). 4 submissions from 4 submitters: Benign (1); Likely benign (3). Last evaluated 2025-12-17.

Conditions:
Hereditary cancer-predisposing syndrome. Also called: Tumor predisposition; Hereditary Cancer Syndrome; Neoplastic Syndromes, Hereditary; Hereditary neoplastic syndrome. Identifiers: Orphanet 140162, MedGen C0027672, MeSH D009386, MONDO:0015356.
Familial cancer of breast. Also called: Hereditary breast cancer; BREAST CANCER, FAMILIAL; hereditary breast carcinoma. Identifiers: Orphanet 227535, MedGen C0346153, MONDO:0016419, OMIM 114480. Disease mechanism: loss of function.
Ataxia-telangiectasia syndrome (AT). Also called: Ataxia telangiectasia (A-T); Cerebello-oculocutaneous telangiectasia; Immunodeficiency with ataxia telangiectasia; LOUIS-BAR SYNDROME; ATAXIA-TELANGIECTASIA, FRESNO VARIANT; Ataxia-telangiectasia, complementation group D. Identifiers: Orphanet 100, MedGen C0004135, MONDO:0008840, OMIM 208900.

Allele frequency attached by ClinVar (database versions not stated): TOPMed below 0.00001.

Submissions (4):

Labcorp Genetics (formerly Invitae), Labcorp
Classification: Likely benign for Ataxia-telangiectasia syndrome. Last evaluated: 2025-12-17. Review status: criteria provided, single submitter. Criteria: Invitae Variant Classification Sherloc (09022015). Collection method: clinical testing. Allele origin: germline.

Myriad Genetics, Inc.
Classification: Benign for Familial cancer of breast. Last evaluated: 2024-05-07. Review status: criteria provided, single submitter. Criteria: Myriad Autosomal Dominant, Autosomal Recessive and X-Linked Classification Criteria (2023). Collection method: clinical testing. Allele origin: unknown.
Comment: This variant is considered benign. This variant is a silent/synonymous amino acid change and it is not expected to impact splicing.

Ambry Genetics
Classification: Likely benign for Hereditary cancer-predisposing syndrome. Last evaluated: 2020-01-26. Review status: criteria provided, single submitter. Criteria: Ambry Variant Classification Scheme 2023. Collection method: clinical testing. Allele origin: germline.

Color Diagnostics, LLC DBA Color Health
Classification: Likely benign for Hereditary cancer-predisposing syndrome. Last evaluated: 2019-11-21. Review status: criteria provided, single submitter. Criteria: ACMG Guidelines, 2015. Collection method: clinical testing. Allele origin: germline.

NM_000051.4(ATM):c.2094A>C (p.Ser698=)

Gene: ATM (ATM serine/threonine kinase; plus strand). Cytogenetic location: 11q22.3.
Variant type: single nucleotide variant.
Coding change: c.2094A>C on transcript NM_000051.4 (MANE Select); coding-DNA position 2094, A replaced by C.
Protein change: p.Ser698=; no amino-acid change (serine 698 retained).
Molecular consequence: synonymous variant.
Genome position (GRCh38, 1-based): chr11:108,254,009, A>C. VCF-style: chr11-108254009-A-C. GRCh37 (hg19) VCF-style: chr11-108124736-A-C.
Other names: c.2094A>C, p.Ser698= (NM_001351834.2).
Identifiers: ClinVar variation 760816 (VCV000760816.14), dbSNP rs1344336370, ClinGen allele CA476672455.